The following is an entry in ClinVar:

ClinVar aggregate classification (germline): Uncertain significance. Review status: criteria provided, multiple submitters, no conflicts (2 of 4 stars). 2 submissions from 2 submitters: Uncertain significance (2). Last evaluated 2025-04-10.

Allele frequency attached by ClinVar (database versions not stated): gnomAD exomes 0.00001; gnomAD 0.00001.
gnomAD v4.1: 7 of 1,550,896 alleles (0.00045%); highest among the groups gnomAD compares: Non-Finnish European, 0.00061%; no homozygotes.

Submissions (2):

Labcorp Genetics (formerly Invitae), Labcorp
Classification: Uncertain significance. Last evaluated: 2025-04-10. Review status: criteria provided, single submitter. Criteria: Invitae Variant Classification Sherloc (09022015). Collection method: clinical testing. Allele origin: germline.
Comment: This sequence change replaces glycine, which is neutral and non-polar, with aspartic acid, which is acidic and polar, at codon 15 of the SETBP1 protein (p.Gly15Asp). This variant is present in population databases (rs551453904, gnomAD 0.001%). This variant has not been reported in the literature in individuals affected with SETBP1-related conditions. ClinVar contains an entry for this variant (Variation ID: 1319753). An algorithm developed to predict the effect of missense changes on protein structure and function outputs the following: PolyPhen-2: "Benign". The aspartic acid amino acid residue is found in multiple mammalian species, which suggests that this missense change does not adversely affect protein function. In summary, the available evidence is currently insufficient to determine the role of this variant in disease. Therefore, it has been classified as a Variant of Uncertain Significance.

Institute for Clinical Genetics, University Hospital TU Dresden, University Hospital TU Dresden
Classification: Uncertain significance. Last evaluated: 2021-11-03. Review status: criteria provided, single submitter. Criteria: ACMG Guidelines, 2015. Collection method: clinical testing. Allele origin: germline.

NM_015559.3(SETBP1):c.44G>A (p.Gly15Asp)

Gene: SETBP1 (SET binding protein 1; plus strand). Cytogenetic location: 18q12.3.
Variant type: single nucleotide variant.
Coding change: c.44G>A on transcript NM_015559.3 (MANE Select); coding-DNA position 44, G replaced by A.
Protein change: p.Gly15Asp; replaces glycine 15 with aspartic acid.
Molecular consequence: missense variant.
Genome position (GRCh38, 1-based): chr18:44,701,390, G>A. VCF-style: chr18-44701390-G-A. GRCh37 (hg19) VCF-style: chr18-42281355-G-A.
Other names: c.44G>A, p.Gly15Asp (NM_001130110.2, NM_001379141.1, NM_001379142.1); short protein forms G15D.
Identifiers: ClinVar variation 1319753 (VCV001319753.6), dbSNP rs551453904, ClinGen allele CA299822454.